The following is an entry in ClinVar:

ClinVar aggregate classification (germline): Pathogenic (0 of 4 stars; one submission).

Conditions:
Coffin-Siris syndrome 6. Identifiers: MedGen C4540499, MONDO:0033492, OMIM 617808.

Submission:

Laboratoire de Cytogenomique, Chu Angers
Classification: Pathogenic for Coffin-Siris syndrome 6. Last evaluated: 2024-12-13. Review status: no assertion criteria provided. Collection method: clinical testing. Allele origin: maternal. Inheritance: Autosomal dominant inheritance. Affected: yes.
Comment: Demonstration of a 990 kb interstitial deletion by Affymetrix Cytoscan encompassing four OMIM genes: ARID2 (609539), associated with Coffin-Siris syndrome 6 (#617808); SCAF11 (603668); SLC38A1 (608490); and exons 2 to 20 of ANO6 (608663). This rearrangement is absent from the population databases consulted (DGV, gnomAD v4). ARID2 is known to be haploinsufficient, with a LOEUF score of 0.22 and a pLI score of 1.00. Consequently, this deletion represents a pathogenic rearrangement contributing to the patient's phenotype.

GRCh38/hg38 12q12-13.11(chr12:45299856-46290196)x1

Genes: ANO6 (anoctamin 6; plus strand), ARID2 (AT-rich interaction domain 2; plus strand), LINC00938 (long intergenic non-protein coding RNA 938; minus strand), SCAF11 (SR-related CTD associated factor 11; minus strand), SLC38A1 (solute carrier family 38 member 1; minus strand) and 23 more. Cytogenetic location: 12q12-13.11.
Variant type: copy number loss.
Change: copy number 1 (one copy instead of two) of chr12:45,299,856-46,290,196 (990.3 kb, GRCh38 coordinates, 1-based), cytogenetic band 12q12-13.11.
Identifiers: ClinVar variation 3390356 (VCV003390356.2).